The following is an entry in ClinVar:

NM_001048174.2(MUTYH):c.1111G>T (p.Ala371Ser)

Gene: MUTYH (mutY DNA glycosylase; minus strand). Cytogenetic location: 1p34.1.
Variant type: single nucleotide variant.
Coding change: c.1111G>T on transcript NM_001048174.2 (MANE Select); coding-DNA position 1111, G replaced by T.
Protein change: p.Ala371Ser; replaces alanine 371 with serine.
Molecular consequence: missense variant. On other transcripts: non-coding transcript variant (2).
Genome position (GRCh38, 1-based): chr1:45,331,548, C>A on the plus strand (G>T on the coding strand, the complement: MUTYH is on the minus strand). VCF-style: chr1-45331548-C-A. GRCh37 (hg19) VCF-style: chr1-45797220-C-A.
Other names: c.1111G>T, p.Ala371Ser (NM_001048171.2, NM_001048173.2, NM_001293195.2); c.1114G>T, p.Ala372Ser (NM_001048172.2); c.1195G>T, p.Ala399Ser (NM_001128425.2); c.1156G>T, p.Ala386Ser (NM_001293190.2); c.1144G>T, p.Ala382Ser (NM_001293191.2); c.835G>T, p.Ala279Ser (NM_001293192.2, NM_001293196.2); c.766G>T, p.Ala256Ser (NM_001350650.2, NM_001350651.2); c.1186G>T, p.Ala396Ser (NM_012222.3); short protein forms A399S, A372S, A256S, A279S, A371S, A396S, A382S, A386S.
Identifiers: ClinVar variation 230077 (VCV000230077.11), dbSNP rs876658372, ClinGen allele CA10577711.

ClinVar aggregate classification (germline): Conflicting classifications of pathogenicity. Review status: criteria provided, conflicting classifications (1 of 4 stars). 2 submissions from 2 submitters: Uncertain significance (1); Likely benign (1). Last evaluated 2025-09-09.

Conditions:
Hereditary cancer-predisposing syndrome. Also called: Tumor predisposition; Hereditary Cancer Syndrome; Neoplastic Syndromes, Hereditary; Hereditary neoplastic syndrome. Identifiers: Orphanet 140162, MedGen C0027672, MeSH D009386, MONDO:0015356.
Familial adenomatous polyposis 2. Also called: MYH-associated polyposis; FAP type 2; ADENOMAS, MULTIPLE COLORECTAL, AUTOSOMAL RECESSIVE; MUTYH Polyposis; MUTYH-associated polyposis; MUTYH-related attenuated familial adenomatous polyposis. Identifiers: Orphanet 220460, Orphanet 247798, MedGen C3272841, MONDO:0012041, OMIM 608456.

Submissions (2):

Ambry Genetics
Classification: Likely benign for Hereditary cancer-predisposing syndrome. Last evaluated: 2025-09-09. Review status: criteria provided, single submitter. Criteria: Ambry Variant Classification Scheme 2023. Collection method: clinical testing. Allele origin: germline.

Labcorp Genetics (formerly Invitae), Labcorp
Classification: Uncertain significance for Familial adenomatous polyposis 2. Last evaluated: 2021-12-02. Review status: criteria provided, single submitter. Criteria: Invitae Variant Classification Sherloc (09022015). Collection method: clinical testing. Allele origin: germline.
Comment: ClinVar contains an entry for this variant (Variation ID: 230077). In summary, the available evidence is currently insufficient to determine the role of this variant in disease. Therefore, it has been classified as a Variant of Uncertain Significance. Algorithms developed to predict the effect of missense changes on protein structure and function (SIFT, PolyPhen-2, Align-GVGD) all suggest that this variant is likely to be disruptive. This variant has not been reported in the literature in individuals affected with MUTYH-related conditions. This variant is not present in population databases (gnomAD no frequency). This sequence change replaces alanine, which is neutral and non-polar, with serine, which is neutral and polar, at codon 399 of the MUTYH protein (p.Ala399Ser).

Literature cited by the submitters: PubMed 40738107 (cited by Ambry Genetics).